The following is an entry in ClinVar:

NM_001384732.1(CPLANE1):c.4162C>G (p.Gln1388Glu)

Gene: CPLANE1 (ciliogenesis and planar polarity effector complex subunit 1; minus strand). Cytogenetic location: 5p13.2.
Variant type: single nucleotide variant.
Coding change: c.4162C>G on transcript NM_001384732.1 (MANE Select); coding-DNA position 4162, C replaced by G.
Protein change: p.Gln1388Glu; replaces glutamine 1388 with glutamic acid.
Molecular consequence: missense variant.
Genome position (GRCh38, 1-based): chr5:37,186,313, G>C on the plus strand (C>G on the coding strand, the complement: CPLANE1 is on the minus strand). VCF-style: chr5-37186313-G-C. GRCh37 (hg19) VCF-style: chr5-37186415-G-C.
Other names: c.4162C>G, p.Gln1388Glu (NM_023073.4); short protein forms Q1388E.
Identifiers: ClinVar variation 4535935 (VCV004535935.1).

ClinVar aggregate classification (germline): Uncertain significance (1 of 4 stars; one submission).

Submission:

Women's Health and Genetics/Laboratory Corporation of America, LabCorp
Classification: Uncertain significance. Last evaluated: 2025-09-01. Review status: criteria provided, single submitter. Criteria: LabCorp Variant Classification Summary - May 2015. Collection method: clinical testing. Allele origin: germline.
Comment: Variant summary: CPLANE1 c.4162C>G (p.Gln1388Glu) results in a conservative amino acid change in the encoded protein sequence. Algorithms developed to predict the effect of missense changes on protein structure and function are either unavailable or do not agree on the potential impact of this missense change. The variant allele was found at a frequency of 5.7e-06 in 1575250 control chromosomes. c.4162C>G has been observed in individuals affected with Joubert Syndrome And Related Disorders (Suzuki_2016, Fujita_2019). These data indicate that the variant may be associated with disease. To our knowledge, no experimental evidence demonstrating an impact on protein function has been reported. The following publications have been ascertained in the context of this evaluation (PMID: 31197031, 27434533). No submitters have cited clinical-significance assessments for this variant to ClinVar. Based on the evidence outlined above, the variant was classified as VUS-possibly pathogenic.

Literature cited by the submitters: PubMed 27434533; PubMed 31197031.